The following is an entry in ClinVar:

NM_000051.4(ATM):c.5712A>G (p.Lys1904=)

Gene: ATM (ATM serine/threonine kinase; plus strand). Cytogenetic location: 11q22.3.
Variant type: single nucleotide variant.
Coding change: c.5712A>G on transcript NM_000051.4 (MANE Select); coding-DNA position 5712, A replaced by G.
Protein change: p.Lys1904=; no amino-acid change (lysine 1904 retained).
Molecular consequence: synonymous variant.
Genome position (GRCh38, 1-based): chr11:108,307,934, A>G. VCF-style: chr11-108307934-A-G. GRCh37 (hg19) VCF-style: chr11-108178661-A-G.
Other names: c.5712A>G, p.Lys1904= (NM_001351834.2).
Identifiers: ClinVar variation 219506 (VCV000219506.34), dbSNP rs864622127, ClinGen allele CA348682.

ClinVar aggregate classification (germline): Benign/Likely benign. Review status: criteria provided, multiple submitters, no conflicts (2 of 4 stars). 4 submissions from 4 submitters: Benign (1); Likely benign (3). Last evaluated 2024-05-24.

Conditions:
Familial cancer of breast. Also called: Hereditary breast cancer; hereditary breast carcinoma; BREAST CANCER, FAMILIAL. Identifiers: Orphanet 227535, MedGen C0346153, MONDO:0016419, OMIM 114480. Disease mechanism: loss of function.
Ataxia-telangiectasia syndrome (AT). Also called: Cerebello-oculocutaneous telangiectasia; Immunodeficiency with ataxia telangiectasia; Ataxia-telangiectasia, complementation group D; AT, COMPLEMENTATION GROUP C; Ataxia-telangiectasia, complementation group E; Ataxia-telangiectasia. Identifiers: Orphanet 100, MedGen C0004135, MONDO:0008840, OMIM 208900.

Submissions (4):

Myriad Genetics, Inc.
Classification: Benign for Familial cancer of breast. Last evaluated: 2024-05-24. Review status: criteria provided, single submitter. Criteria: Myriad Autosomal Dominant, Autosomal Recessive and X-Linked Classification Criteria (2023). Collection method: clinical testing. Allele origin: unknown.
Comment: This variant is considered benign. This variant is a silent/synonymous amino acid change and it is not expected to impact splicing.

Labcorp Genetics (formerly Invitae), Labcorp
Classification: Likely benign for Ataxia-telangiectasia syndrome. Last evaluated: 2024-02-19. Review status: criteria provided, single submitter. Criteria: Invitae Variant Classification Sherloc (09022015). Collection method: clinical testing. Allele origin: germline.

CeGaT Center for Human Genetics Tuebingen
Classification: Likely benign. Last evaluated: 2023-01-01. Review status: criteria provided, single submitter. Criteria: CeGaT Center For Human Genetics Tuebingen Variant Classification Criteria Version 2. Collection method: clinical testing. Allele origin: germline. Affected: yes. Observed: 1 variant allele.
Comment: ATM: PM2:Supporting, BP4, BP7

GeneDx
Classification: Likely benign. Last evaluated: 2017-02-03. Review status: criteria provided, single submitter. Criteria: GeneDx Variant Classification (06012015). Collection method: clinical testing. Allele origin: germline. Affected: yes.
Comment: This variant is considered likely benign or benign based on one or more of the following criteria: it is a conservative change, it occurs at a poorly conserved position in the protein, it is predicted to be benign by multiple in silico algorithms, and/or has population frequency not consistent with disease.